The following is an entry in ClinVar:

ClinVar aggregate classification (germline): Uncertain significance (1 of 4 stars; one submission).

Allele frequency attached by ClinVar (database versions not stated): gnomAD exomes below 0.00001 and 0.00001; TOPMed below 0.00001; ExAC 0.00001; gnomAD 0.00001; ESP Exome Variant Server 0.00008.

Submission:

Labcorp Genetics (formerly Invitae), Labcorp
Classification: Uncertain significance. Last evaluated: 2021-08-30. Review status: criteria provided, single submitter. Criteria: Invitae Variant Classification Sherloc (09022015). Collection method: clinical testing. Allele origin: germline.
Comment: This sequence change replaces isoleucine with valine at codon 940 of the PRPF8 protein (p.Ile940Val). The isoleucine residue is highly conserved and there is a small physicochemical difference between isoleucine and valine. This variant is present in population databases (rs148919297, ExAC 0.01%). This variant has not been reported in the literature in individuals affected with PRPF8-related conditions. Algorithms developed to predict the effect of missense changes on protein structure and function (SIFT, PolyPhen-2, Align-GVGD) all suggest that this variant is likely to be tolerated. In summary, the available evidence is currently insufficient to determine the role of this variant in disease. Therefore, it has been classified as a Variant of Uncertain Significance.

NM_006445.4(PRPF8):c.2818A>G (p.Ile940Val)

Gene: PRPF8 (pre-mRNA processing factor 8; minus strand). Cytogenetic location: 17p13.3.
Variant type: single nucleotide variant.
Coding change: c.2818A>G on transcript NM_006445.4 (MANE Select); coding-DNA position 2818, A replaced by G.
Protein change: p.Ile940Val; replaces isoleucine 940 with valine.
Molecular consequence: missense variant.
Genome position (GRCh38, 1-based): chr17:1,675,674, T>C on the plus strand (A>G on the coding strand, the complement: PRPF8 is on the minus strand). VCF-style: chr17-1675674-T-C. GRCh37 (hg19) VCF-style: chr17-1578968-T-C.
Other names: short protein forms I940V.
Identifiers: ClinVar variation 1055696 (VCV001055696.2), dbSNP rs148919297, ClinGen allele CA8272046.